The following is an entry in ClinVar:

ClinVar aggregate classification (germline): Benign. Review status: criteria provided, multiple submitters, no conflicts (2 of 4 stars). 4 submissions from 4 submitters: Benign (3). 1 of the submissions does not count toward it. Last evaluated 2026-02-03.

Conditions:
Emery-Dreifuss muscular dystrophy (EDMD). Also called: Scapuloperoneal syndrome, X-linked (formerly); Humeroperoneal neuromuscular disease, (formerly). Identifiers: Orphanet 261, MedGen C0410189, MONDO:0016830.
SUN1-related disorder. Also called: SUN1-related condition.

Allele frequency attached by ClinVar (database versions not stated): ESP Exome Variant Server 0.13634; gnomAD 0.14947 and 0.15454; TOPMed 0.15079; 1000 Genomes Project 30x 0.16630; 1000 Genomes Project 0.16833; gnomAD exomes 0.17721 and 0.18123; ExAC 0.18166.
gnomAD v4.1: 278,758 of 1,595,722 alleles (17%); highest among the groups gnomAD compares: South Asian, 24%; 25,499 homozygotes.

Submissions (4):

Labcorp Genetics (formerly Invitae), Labcorp
Classification: Benign for Emery-Dreifuss muscular dystrophy. Last evaluated: 2026-02-03. Review status: criteria provided, single submitter. Criteria: Invitae Variant Classification Sherloc (09022015). Collection method: clinical testing. Allele origin: germline.

Mayo Clinic Laboratories, Mayo Clinic
Classification: Benign. Last evaluated: 2022-03-24. Review status: criteria provided, single submitter. Criteria: ACMG Guidelines, 2015. Collection method: clinical testing. Allele origin: germline. Observed: 136 variant alleles.

GeneDx
Classification: Benign. Last evaluated: 2021-05-04. Review status: criteria provided, single submitter. Criteria: GeneDx Variant Classification Process June 2021. Collection method: clinical testing. Allele origin: germline. Affected: yes.

PreventionGenetics, part of Exact Sciences
Classification: Benign for SUN1-related condition. Last evaluated: 2024-09-23. Review status: no assertion criteria provided. Collection method: clinical testing. Allele origin: germline. Not counted in ClinVar's aggregate classification.
Comment: This variant is classified as benign based on ACMG/AMP sequence variant interpretation guidelines (Richards et al. 2015 PMID: 25741868, with internal and published modifications).

NM_001130965.3(SUN1):c.1426G>A (p.Glu476Lys)

Gene: SUN1 (Sad1 and UNC84 domain containing 1; plus strand). Cytogenetic location: 7p22.3.
Variant type: single nucleotide variant.
Coding change: c.1426G>A on transcript NM_001130965.3 (MANE Select); coding-DNA position 1426, G replaced by A.
Protein change: p.Glu476Lys; replaces glutamic acid 476 with lysine.
Molecular consequence: missense variant. On other transcripts: non-coding transcript variant (3).
Genome position (GRCh38, 1-based): chr7:857,859, G>A. VCF-style: chr7-857859-G-A. GRCh37 (hg19) VCF-style: chr7-897496-G-A.
Other names: p.Glu476Lys; c.1669G>A, p.Glu557Lys (NM_001367666.1); c.1387G>A, p.Glu463Lys (NM_001367667.1, NM_001367689.1); c.1468G>A, p.Glu490Lys (NM_001367668.1, NM_001367647.1); c.1453G>A, p.Glu485Lys (NM_001367669.1); c.1384G>A, p.Glu462Lys (NM_001367679.1); c.1636G>A, p.Glu546Lys (NM_001367655.1, NM_001367700.1); c.712G>A, p.Glu238Lys (NM_001367658.1); and 44 more; short protein forms E238K, E287K, E323K, E359K, E373K, E393K, E415K, E420K.
Identifiers: ClinVar variation 1170347 (VCV001170347.14), dbSNP rs59910530, ClinGen allele CA4112239.